The following is an entry in ClinVar:

ClinVar aggregate classification (germline): Uncertain significance. Review status: criteria provided, multiple submitters, no conflicts (2 of 4 stars). 2 submissions from 2 submitters: Uncertain significance (2). Last evaluated 2026-09-11.

Conditions:
Wilson-Turner syndrome (WTS). Also called: INTELLECTUAL DEVELOPMENTAL DISORDER, X-LINKED, SYNDROMIC, WILSON-TURNER TYPE; MENTAL RETARDATION, X-LINKED, SYNDROMIC 6. Identifiers: Orphanet 3459, MedGen C1839736, MONDO:0010665, OMIM 309585.

Submissions (2):

Ambry Genetics
Classification: Uncertain significance. Last evaluated: 2026-09-11. Review status: criteria provided, single submitter. Criteria: Ambry Variant Classification Scheme 2023. Collection method: clinical testing. Allele origin: germline.

Labcorp Genetics (formerly Invitae), Labcorp
Classification: Uncertain significance for Wilson-Turner syndrome. Last evaluated: 2022-12-06. Review status: criteria provided, single submitter. Criteria: Invitae Variant Classification Sherloc (09022015). Collection method: clinical testing. Allele origin: germline.
Comment: This variant has not been reported in the literature in individuals affected with LAS1L-related conditions. This variant is not present in population databases (gnomAD no frequency). This sequence change replaces glycine, which is neutral and non-polar, with aspartic acid, which is acidic and polar, at codon 491 of the LAS1L protein (p.Gly491Asp). In summary, the available evidence is currently insufficient to determine the role of this variant in disease. Therefore, it has been classified as a Variant of Uncertain Significance. Advanced modeling of protein sequence and biophysical properties (such as structural, functional, and spatial information, amino acid conservation, physicochemical variation, residue mobility, and thermodynamic stability) performed at Invitae indicates that this missense variant is not expected to disrupt LAS1L protein function. ClinVar contains an entry for this variant (Variation ID: 533407).

NM_031206.7(LAS1L):c.1472G>A (p.Gly491Asp)

Gene: LAS1L (LAS1 like ribosome biogenesis factor; minus strand). Cytogenetic location: Xq12.
Variant type: single nucleotide variant.
Coding change: c.1472G>A on transcript NM_031206.7 (MANE Select); coding-DNA position 1472, G replaced by A.
Protein change: p.Gly491Asp; replaces glycine 491 with aspartic acid.
Molecular consequence: missense variant. On other transcripts: non-coding transcript variant (1).
Genome position (GRCh38, 1-based): chrX:65,518,442, C>T on the plus strand (G>A on the coding strand, the complement: LAS1L is on the minus strand). VCF-style: chrX-65518442-C-T. GRCh37 (hg19) VCF-style: chrX-64738322-C-T.
Other names: c.1421G>A, p.Gly474Asp (NM_001170649.2, NM_001375333.1); c.1295G>A, p.Gly432Asp (NM_001170650.2); c.1472G>A, p.Gly491Asp (NM_001375328.1); c.515G>A, p.Gly172Asp (NM_001375332.1); short protein forms G491D, G432D, G474D, G172D.
Identifiers: ClinVar variation 533407 (VCV000533407.10), dbSNP rs1556301877, ClinGen allele CA413315749.